The following is an entry in ClinVar:

ClinVar aggregate classification (germline): Likely benign. Review status: criteria provided, multiple submitters, no conflicts (2 of 4 stars). 2 submissions from 2 submitters: Likely benign (2). Last evaluated 2023-01-24.

Allele frequency attached by ClinVar (database versions not stated): TOPMed below 0.00001.
gnomAD v4.1: 1 of 1,272,128 alleles (0.000079%); highest among the groups gnomAD compares: Non-Finnish European, 0.000099%; no homozygotes.

Submissions (2):

Blueprint Genetics
Classification: Likely benign. Last evaluated: 2023-01-24. Review status: criteria provided, single submitter. Criteria: ACMG Guidelines, 2015. Collection method: clinical testing. Allele origin: germline.

CeGaT Center for Human Genetics Tuebingen
Classification: Likely benign. Last evaluated: 2022-03-01. Review status: criteria provided, single submitter. Criteria: CeGaT Center For Human Genetics Tuebingen Variant Classification Criteria Version 2. Collection method: clinical testing. Allele origin: germline. Affected: yes. Observed: 1 variant allele.
Comment: SEMA6B: PM2:Supporting, BP4, BP7

NM_032108.4(SEMA6B):c.2112G>C (p.Ser704=)

Gene: SEMA6B (semaphorin 6B; minus strand). Cytogenetic location: 19p13.3.
Variant type: single nucleotide variant.
Coding change: c.2112G>C on transcript NM_032108.4 (MANE Select); coding-DNA position 2112, G replaced by C.
Protein change: p.Ser704=; no amino-acid change (serine 704 retained).
Molecular consequence: synonymous variant.
Genome position (GRCh38, 1-based): chr19:4,544,156, C>G on the plus strand (G>C on the coding strand, the complement: SEMA6B is on the minus strand). VCF-style: chr19-4544156-C-G. GRCh37 (hg19) VCF-style: chr19-4544168-C-G.
Identifiers: ClinVar variation 2649068 (VCV002649068.25), dbSNP rs766025067, ClinGen allele CA304515365.